The following is an entry in ClinVar:

ClinVar aggregate classification (germline): Pathogenic (1 of 4 stars; one submission).

Conditions:
Osteogenesis imperfecta type I (OI1). Also called: Classic Non-deforming Osteogenesis Imperfecta with Blue Sclerae; OI, TYPE I; OSTEOGENESIS IMPERFECTA TARDA; OSTEOGENESIS IMPERFECTA WITH BLUE SCLERAE; Osteogenesis imperfecta type 1; Lobstein's Disease. Identifiers: Orphanet 216796, Orphanet 666, MedGen C0023931, MONDO:0008146, OMIM 166200. Disease mechanism: loss of function.

Submission:

Labcorp Genetics (formerly Invitae), Labcorp
Classification: Pathogenic for Osteogenesis imperfecta type I. Last evaluated: 2024-04-10. Review status: criteria provided, single submitter. Criteria: Invitae Variant Classification Sherloc (09022015). Collection method: clinical testing. Allele origin: germline.
Comment: This sequence change creates a premature translational stop signal (p.Glu210*) in the COL1A1 gene. It is expected to result in an absent or disrupted protein product. Loss-of-function variants in COL1A1 are known to be pathogenic (PMID: 7942841, 9295084, 9443882). This variant is not present in population databases (gnomAD no frequency). This variant has not been reported in the literature in individuals affected with COL1A1-related conditions. Algorithms developed to predict the effect of sequence changes on RNA splicing suggest that this variant may disrupt the consensus splice site. For these reasons, this variant has been classified as Pathogenic.

Literature cited by the submitters: PubMed 7942841; PubMed 9295084; PubMed 9443882.

NM_000088.4(COL1A1):c.628G>T (p.Glu210Ter)

Gene: COL1A1 (collagen type I alpha 1 chain; minus strand). Cytogenetic location: 17q21.33.
Variant type: single nucleotide variant.
Coding change: c.628G>T on transcript NM_000088.4 (MANE Select); coding-DNA position 628, G replaced by T.
Protein change: p.Glu210Ter; replaces glutamic acid 210 with a stop codon.
Molecular consequence: nonsense.
Genome position (GRCh38, 1-based): chr17:50,197,963, C>A on the plus strand (G>T on the coding strand, the complement: COL1A1 is on the minus strand). VCF-style: chr17-50197963-C-A. GRCh37 (hg19) VCF-style: chr17-48275324-C-A.
Other names: short protein forms E210*.
Identifiers: ClinVar variation 3641925 (VCV003641925.2).